The following is an entry in ClinVar:

NM_001243133.2(NLRP3):c.1643G>A (p.Arg548His)

Gene: NLRP3 (NLR family pyrin domain containing 3; plus strand). Cytogenetic location: 1q44.
Variant type: single nucleotide variant.
Coding change: c.1643G>A on transcript NM_001243133.2 (MANE Select); coding-DNA position 1643, G replaced by A.
Protein change: p.Arg548His; replaces arginine 548 with histidine.
Molecular consequence: missense variant.
Genome position (GRCh38, 1-based): chr1:247,425,092, G>A. VCF-style: chr1-247425092-G-A. GRCh37 (hg19) VCF-style: chr1-247588394-G-A.
Other names: c.1643G>A, p.Arg548His (NM_001079821.3, NM_001127461.3, NM_001127462.3 and 1 more transcripts); c.1649G>A, p.Arg550His (NM_004895.5); short protein forms R550H, R548H.
Identifiers: ClinVar variation 859919 (VCV000859919.14), dbSNP rs200258061, ClinGen allele CA1495050.
Genomic context (GRCh38, chr1:247,425,092, plus strand): 5'-CCGCCATGTACTACCTGCTGGAAGAGGAAAAGGAAGGAAGGACGAACGTTCCAGGGAGTC[G>A]TTTGAAGCTTCCCAGCCGAGACGTGACAGTCCTTCTGGAAAACTATGGCAAATTCGAAAA-3'
Protein context (NP_001230062.1, residues 538-558): KEGRTNVPGS[Arg548His]LKLPSRDVTV

ClinVar aggregate classification (germline): Uncertain significance. Review status: criteria provided, multiple submitters, no conflicts (2 of 4 stars). 5 submissions from 5 submitters: Uncertain significance (5). Last evaluated 2026-04-19.

Conditions:
Inborn genetic diseases. Identifiers: MedGen C0950123, MeSH D030342.
Hearing loss, autosomal dominant 34, with or without inflammation. Also called: DEAFNESS, AUTOSOMAL DOMINANT 34, WITH OR WITHOUT INFLAMMATION. Identifiers: MedGen C4521680, MONDO:0033261, OMIM 617772.
Familial amyloid nephropathy with urticaria AND deafness (MWS). Also called: MUCKLE-WELLS SYNDROME; Urticaria, deafness and amyloidosis; UDA SYNDROME; URTICARIA-DEAFNESS-AMYLOIDOSIS SYNDROME; CRYOPYRIN-ASSOCIATED PERIODIC SYNDROME 2. Identifiers: Orphanet 575, MedGen C0268390, MONDO:0008633, OMIM 191900.
Chronic infantile neurological, cutaneous and articular syndrome (CINCA). Also called: CINCA syndrome; CHRONIC NEUROLOGIC CUTANEOUS AND ARTICULAR SYNDROME; Prieur Griscelli syndrome; CRYOPYRIN-ASSOCIATED PERIODIC SYNDROME 3. Identifiers: Orphanet 1451, MedGen C0409818, MONDO:0011776, OMIM 607115.
Familial cold autoinflammatory syndrome 1 (FCAS1). Also called: CRYOPYRIN-ASSOCIATED PERIODIC SYNDROME 1; Familial cold inflammatory syndrome 1. Identifiers: Orphanet 47045, MedGen C4551895, MONDO:0007349, OMIM 120100.
Keratitis fugax hereditaria. Also called: KERATOENDOTHELIITIS FUGAX HEREDITARIA. Identifiers: Orphanet 647815, MedGen C1835697, MONDO:0007849, OMIM 148200.
Cryopyrin associated periodic syndrome (CAPS). Identifiers: Orphanet 208650, MedGen C2316212, MONDO:0016168.
NLRP3-related disorder. Also called: NLRP3-related condition; NLRP3-Related Disorders.

Allele frequency attached by ClinVar (database versions not stated): gnomAD 0.00001; gnomAD exomes 0.00001 and 0.00002; ExAC 0.00002; TOPMed 0.00002.
gnomAD v4.1: 23 of 1,614,028 alleles (0.0014%); highest among the groups gnomAD compares: Non-Finnish European, 0.0019%; no homozygotes.

Submissions (5):

PreventionGenetics, part of Exact Sciences
Classification: Uncertain significance for NLRP3-related condition. Last evaluated: 2026-04-19. Review status: criteria provided, single submitter. Criteria: ACMG Guidelines, 2015. Collection method: clinical testing. Allele origin: germline.
Comment: The NLRP3 c.1649G>A variant is predicted to result in the amino acid substitution p.Arg550His. To our knowledge, this variant has not been reported in the literature. This variant is reported in 0.0039% of alleles in individuals of European (Non-Finnish) descent in gnomAD. At this time, the clinical significance of this variant is uncertain due to the absence of conclusive functional and genetic evidence.

Ambry Genetics
Classification: Uncertain significance for Inborn genetic diseases. Last evaluated: 2025-12-15. Review status: criteria provided, single submitter. Criteria: Ambry Variant Classification Scheme 2023. Collection method: clinical testing. Allele origin: germline.

Labcorp Genetics (formerly Invitae), Labcorp
Classification: Uncertain significance for Cryopyrin associated periodic syndrome. Last evaluated: 2025-10-12. Review status: criteria provided, single submitter. Criteria: Invitae Variant Classification Sherloc (09022015). Collection method: clinical testing. Allele origin: germline.
Comment: This sequence change replaces arginine, which is basic and polar, with histidine, which is basic and polar, at codon 550 of the NLRP3 protein (p.Arg550His). This variant is present in population databases (rs200258061, gnomAD 0.005%). This variant has not been reported in the literature in individuals affected with NLRP3-related conditions. ClinVar contains an entry for this variant (Variation ID: 859919). Invitae Evidence Modeling of protein sequence and biophysical properties (such as structural, functional, and spatial information, amino acid conservation, physicochemical variation, residue mobility, and thermodynamic stability) indicates that this missense variant is not expected to disrupt NLRP3 protein function with a negative predictive value of 95%. In summary, the available evidence is currently insufficient to determine the role of this variant in disease. Therefore, it has been classified as a Variant of Uncertain Significance.

GeneDx
Classification: Uncertain significance. Last evaluated: 2024-08-15. Review status: criteria provided, single submitter. Criteria: GeneDx Variant Classification Process June 2021. Collection method: clinical testing. Allele origin: germline. Affected: yes.
Comment: In silico analysis indicates that this missense variant does not alter protein structure/function; Also known as p.R548H; This variant is associated with the following publications: (PMID: 33961014)

Fulgent Genetics
Classification: Uncertain significance for Familial cold autoinflammatory syndrome 1; Keratitis fugax hereditaria; Familial amyloid nephropathy with urticaria AND deafness; Chronic infantile neurological, cutaneous and articular syndrome; Hearing loss, autosomal dominant 34, with or without inflammation. Last evaluated: 2021-11-19. Review status: criteria provided, single submitter. Criteria: ACMG Guidelines, 2015. Collection method: clinical testing. Allele origin: unknown.